The following is an entry in ClinVar:

ClinVar aggregate classification (germline): Uncertain significance (1 of 4 stars; one submission).

gnomAD v4.1: 8 of 1,552,812 alleles (0.00052%); highest among the groups gnomAD compares: East Asian, 0.0045%; no homozygotes.

Submission:

Labcorp Genetics (formerly Invitae), Labcorp
Classification: Uncertain significance. Last evaluated: 2024-06-25. Review status: criteria provided, single submitter. Criteria: Invitae Variant Classification Sherloc (09022015). Collection method: clinical testing. Allele origin: germline.
Comment: This sequence change replaces glycine, which is neutral and non-polar, with arginine, which is basic and polar, at codon 277 of the IL12RB2 protein (p.Gly277Arg). This variant is present in population databases (rs762145325, gnomAD 0.006%). This variant has not been reported in the literature in individuals affected with IL12RB2-related conditions. An algorithm developed to predict the effect of missense changes on protein structure and function (PolyPhen-2) suggests that this variant is likely to be disruptive. In summary, the available evidence is currently insufficient to determine the role of this variant in disease. Therefore, it has been classified as a Variant of Uncertain Significance.

NM_001374259.2(IL12RB2):c.829G>A (p.Gly277Arg)

Gene: IL12RB2 (interleukin 12 receptor subunit beta 2; plus strand). Cytogenetic location: 1p31.3.
Variant type: single nucleotide variant.
Coding change: c.829G>A on transcript NM_001374259.2 (MANE Select); coding-DNA position 829, G replaced by A.
Protein change: p.Gly277Arg; replaces glycine 277 with arginine.
Molecular consequence: missense variant. On other transcripts: non-coding transcript variant (2).
Genome position (GRCh38, 1-based): chr1:67,330,681, G>A. VCF-style: chr1-67330681-G-A. GRCh37 (hg19) VCF-style: chr1-67796364-G-A.
Other names: c.829G>A, p.Gly277Arg (NM_001258214.1, NM_001258215.1, NM_001258216.1 and 2 more transcripts); short protein forms G277R.
Identifiers: ClinVar variation 3618752 (VCV003618752.2).